The following is an entry in ClinVar:

NM_024642.5(GALNT12):c.682G>C (p.Asp228His)

Gene: GALNT12 (polypeptide N-acetylgalactosaminyltransferase 12; plus strand). Cytogenetic location: 9q22.33.
Variant type: single nucleotide variant.
Coding change: c.682G>C on transcript NM_024642.5 (MANE Select); coding-DNA position 682, G replaced by C.
Protein change: p.Asp228His; replaces aspartic acid 228 with histidine.
Molecular consequence: missense variant.
Genome position (GRCh38, 1-based): chr9:98,826,892, G>C. VCF-style: chr9-98826892-G-C. GRCh37 (hg19) VCF-style: chr9-101589174-G-C.
Other names: short protein forms D228H.
Identifiers: ClinVar variation 1755677 (VCV001755677.3), dbSNP rs1835870575, ClinGen allele CA374217697.

ClinVar aggregate classification (germline): Uncertain significance (1 of 4 stars; one submission).

Allele frequency attached by ClinVar (database versions not stated): TOPMed below 0.00001; gnomAD 0.00001.
gnomAD v4.1: 1 of 1,585,802 alleles (0.000063%); highest among the groups gnomAD compares: African/African-American, 0.0013%; no homozygotes.

Submission:

Ambry Genetics
Classification: Uncertain significance. Last evaluated: 2024-09-12. Review status: criteria provided, single submitter. Criteria: Ambry Variant Classification Scheme 2023. Collection method: clinical testing. Allele origin: germline.
Comment: The p.D228H variant (also known as c.682G>C), located in coding exon 3 of the GALNT12 gene, results from a G to C substitution at nucleotide position 682. The aspartic acid at codon 228 is replaced by histidine, an amino acid with similar properties. This amino acid position is conserved. In addition, this alteration is predicted to be deleterious by in silico analysis. Since supporting evidence is limited at this time, the clinical significance of this alteration remains unclear.